The following is an entry in ClinVar:

NM_004183.4(BEST1):c.238T>G (p.Phe80Val)

Gene: BEST1 (bestrophin 1; plus strand). Cytogenetic location: 11q12.3.
Variant type: single nucleotide variant.
Coding change: c.238T>G on transcript NM_004183.4 (MANE Select); coding-DNA position 238, T replaced by G.
Protein change: p.Phe80Val; replaces phenylalanine 80 with valine.
Molecular consequence: missense variant. On other transcripts: non-coding transcript variant (1).
Genome position (GRCh38, 1-based): chr11:61,955,192, T>G. VCF-style: chr11-61955192-T-G. GRCh37 (hg19) VCF-style: chr11-61722664-T-G.
Other names: c.58T>G, p.Phe20Val (NM_001139443.3, NM_001300786.2, NM_001300787.2); c.238T>G, p.Phe80Val (NM_001363592.2); short protein forms F20V, F80V.
Identifiers: ClinVar variation 3721040 (VCV003721040.2).

ClinVar aggregate classification (germline): Likely pathogenic (1 of 4 stars; one submission).

Submission:

Labcorp Genetics (formerly Invitae), Labcorp
Classification: Likely pathogenic. Last evaluated: 2024-06-11. Review status: criteria provided, single submitter. Criteria: Invitae Variant Classification Sherloc (09022015). Collection method: clinical testing. Allele origin: germline.
Comment: This sequence change replaces phenylalanine, which is neutral and non-polar, with valine, which is neutral and non-polar, at codon 80 of the BEST1 protein (p.Phe80Val). This variant is not present in population databases (gnomAD no frequency). This missense change has been observed in individual(s) with vitelliform macular dystrophy (PMID: 21269699). Advanced modeling of protein sequence and biophysical properties (such as structural, functional, and spatial information, amino acid conservation, physicochemical variation, residue mobility, and thermodynamic stability) performed at Invitae indicates that this missense variant is expected to disrupt BEST1 protein function with a positive predictive value of 95%. This variant disrupts the p.Phe80 amino acid residue in BEST1. Other variant(s) that disrupt this residue have been determined to be pathogenic (PMID: 25082885, 26201355). This suggests that this residue is clinically significant, and that variants that disrupt this residue are likely to be disease-causing. In summary, the currently available evidence indicates that the variant is pathogenic, but additional data are needed to prove that conclusively. Therefore, this variant has been classified as Likely Pathogenic.

Literature cited by the submitters: PubMed 21269699; PubMed 25082885; PubMed 26201355.